The following is an entry in ClinVar:

ClinVar aggregate classification (germline): Uncertain significance (1 of 4 stars; one submission).

Conditions:
Amyotrophic lateral sclerosis type 21. Also called: VOCAL CORD AND PHARYNGEAL DYSFUNCTION WITH DISTAL MYOPATHY; MYOPATHY, DISTAL, 2. Identifiers: Orphanet 600, Orphanet 803, MedGen C3807521, MONDO:0011632, OMIM 606070.

Submission:

Labcorp Genetics (formerly Invitae), Labcorp
Classification: Uncertain significance for Amyotrophic lateral sclerosis type 21. Last evaluated: 2025-07-09. Review status: criteria provided, single submitter. Criteria: Invitae Variant Classification Sherloc (09022015). Collection method: clinical testing. Allele origin: germline.
Comment: This sequence change replaces arginine, which is basic and polar, with lysine, which is basic and polar, at codon 252 of the MATR3 protein (p.Arg252Lys). This variant is not present in population databases (gnomAD no frequency). This variant has not been reported in the literature in individuals affected with MATR3-related conditions. Invitae Evidence Modeling of protein sequence and biophysical properties (such as structural, functional, and spatial information, amino acid conservation, physicochemical variation, residue mobility, and thermodynamic stability) indicates that this missense variant is not expected to disrupt MATR3 protein function with a negative predictive value of 80%. In summary, the available evidence is currently insufficient to determine the role of this variant in disease. Therefore, it has been classified as a Variant of Uncertain Significance.

NM_018834.6(MATR3):c.755G>A (p.Arg252Lys)

Gene: MATR3 (matrin 3; plus strand). Cytogenetic location: 5q31.2.
Variant type: single nucleotide variant.
Coding change: c.755G>A on transcript NM_018834.6 (MANE Select); coding-DNA position 755, G replaced by A.
Protein change: p.Arg252Lys; replaces arginine 252 with lysine.
Molecular consequence: missense variant. On other transcripts: intron variant (11).
Genome position (GRCh38, 1-based): chr5:139,308,170, G>A. VCF-style: chr5-139308170-G-A. GRCh37 (hg19) VCF-style: chr5-138643859-G-A.
Other names: c.755G>A, p.Arg252Lys (NM_001194954.2, NM_001194955.2, NM_001400441.1 and 16 more transcripts); c.52-6505G>A (NM_001400459.1); c.-102-6505G>A (NM_001400463.1, NM_001400460.1, NM_001282278.2 and 3 more transcripts); c.-40-7527G>A (NM_001400462.1, NM_001400467.1); c.13-6505G>A (NM_001400461.1); c.49-6505G>A (NM_001194956.2); short protein forms R252K.
Identifiers: ClinVar variation 4704747 (VCV004704747.1).